The following is an entry in ClinVar:

NM_173851.3(SLC30A8):c.974G>A (p.Arg325Gln)

Gene: SLC30A8 (solute carrier family 30 member 8; plus strand). Cytogenetic location: 8q24.11.
Variant type: single nucleotide variant.
Coding change: c.974G>A on transcript NM_173851.3 (MANE Select); coding-DNA position 974, G replaced by A.
Protein change: p.Arg325Gln; replaces arginine 325 with glutamine.
Molecular consequence: missense variant.
Genome position (GRCh38, 1-based): chr8:117,172,545, G>A. VCF-style: chr8-117172545-G-A. GRCh37 (hg19) VCF-style: chr8-118184784-G-A.
Other names: c.827G>A, p.Arg276Gln (NM_001172811.2, NM_001172813.2, NM_001172814.2 and 1 more transcripts); short protein forms R276Q, R325Q.
Identifiers: ClinVar variation 3038448 (VCV003038448.2), dbSNP rs16889462, ClinGen allele CA4853725.

ClinVar aggregate classification (germline): Benign (0 of 4 stars; one submission).

Conditions:
SLC30A8-related disorder. Also called: SLC30A8-related condition.

Allele frequency attached by ClinVar (database versions not stated): ESP Exome Variant Server 0.03506; TOPMed 0.03716; 1000 Genomes Project 0.04892; 1000 Genomes Project 30x 0.04919.
gnomAD v4.1: 12,784 of 1,613,552 alleles (0.79%); highest among the groups gnomAD compares: African/African-American, 11%; 567 homozygotes.

Submission:

PreventionGenetics, part of Exact Sciences
Classification: Benign for SLC30A8-related condition. Last evaluated: 2019-09-24. Review status: no assertion criteria provided. Collection method: clinical testing. Allele origin: germline.
Comment: This variant is classified as benign based on ACMG/AMP sequence variant interpretation guidelines (Richards et al. 2015 PMID: 25741868, with internal and published modifications).